The following is an entry in ClinVar:

ClinVar aggregate classification (germline): Uncertain significance. Review status: criteria provided, multiple submitters, no conflicts (2 of 4 stars). 2 submissions from 2 submitters: Uncertain significance (2). Last evaluated 2024-12-14.

Conditions:
Inborn genetic diseases. Identifiers: MedGen C0950123, MeSH D030342.

Allele frequency attached by ClinVar (database versions not stated): gnomAD exomes below 0.00001; ExAC 0.00001.

Submissions (2):

Ambry Genetics
Classification: Uncertain significance for Inborn genetic diseases. Last evaluated: 2024-12-14. Review status: criteria provided, single submitter. Criteria: Ambry Variant Classification Scheme 2023. Collection method: clinical testing. Allele origin: germline.

Labcorp Genetics (formerly Invitae), Labcorp
Classification: Uncertain significance. Last evaluated: 2022-06-27. Review status: criteria provided, single submitter. Criteria: Invitae Variant Classification Sherloc (09022015). Collection method: clinical testing. Allele origin: germline.
Comment: This sequence change replaces histidine, which is basic and polar, with arginine, which is basic and polar, at codon 370 of the ACBD5 protein (p.His370Arg). In summary, the available evidence is currently insufficient to determine the role of this variant in disease. Therefore, it has been classified as a Variant of Uncertain Significance. Algorithms developed to predict the effect of missense changes on protein structure and function output the following: SIFT: "Tolerated"; PolyPhen-2: "Benign"; Align-GVGD: "Class C0". The arginine amino acid residue is found in multiple mammalian species, which suggests that this missense change does not adversely affect protein function. This variant has not been reported in the literature in individuals affected with ACBD5-related conditions. This variant is present in population databases (rs748649693, gnomAD 0.0009%).

NM_145698.5(ACBD5):c.1109A>G (p.His370Arg)

Gene: ACBD5 (acyl-CoA binding domain containing 5; minus strand). Cytogenetic location: 10p12.1.
Variant type: single nucleotide variant.
Coding change: c.1109A>G on transcript NM_145698.5 (MANE Select); coding-DNA position 1109, A replaced by G.
Protein change: p.His370Arg; replaces histidine 370 with arginine.
Molecular consequence: missense variant.
Genome position (GRCh38, 1-based): chr10:27,210,909, T>C on the plus strand (A>G on the coding strand, the complement: ACBD5 is on the minus strand). VCF-style: chr10-27210909-T-C. GRCh37 (hg19) VCF-style: chr10-27499838-T-C.
Other names: c.1103A>G, p.His368Arg (NM_001271512.3); c.782A>G, p.His261Arg (NM_001301251.2, NM_001301252.2, NM_001301253.2 and 2 more transcripts); c.578A>G, p.His193Arg (NM_001301254.2); c.1163A>G, p.His388Arg (NM_001352568.1); c.1142A>G, p.His381Arg (NM_001352569.1); c.1109A>G, p.His370Arg (NM_001352570.1); c.1136A>G, p.His379Arg (NM_001352571.1); c.800A>G, p.His267Arg (NM_001352582.2); and 11 more; short protein forms H300R, H363R, H370R, H379R, H267R, H272R, H313R, H317R.
Identifiers: ClinVar variation 2011560 (VCV002011560.5), dbSNP rs748649693, ClinGen allele CA5450752.